The following is an entry in ClinVar:

ClinVar aggregate classification (germline): Uncertain significance. Review status: criteria provided, multiple submitters, no conflicts (2 of 4 stars). 3 submissions from 3 submitters: Uncertain significance (3). Last evaluated 2024-04-12.

Allele frequency attached by ClinVar (database versions not stated): ExAC 0.00001; gnomAD 0.00001; gnomAD exomes 0.00001.
gnomAD v4.1: 20 of 1,600,892 alleles (0.0012%); highest among the groups gnomAD compares: Middle Eastern, 0.017%; no homozygotes.

Submissions (3):

Blueprint Genetics
Classification: Uncertain significance. Last evaluated: 2024-04-12. Review status: criteria provided, single submitter. Criteria: ACMG Guidelines, 2015. Collection method: clinical testing. Allele origin: germline.

Labcorp Genetics (formerly Invitae), Labcorp
Classification: Uncertain significance. Last evaluated: 2022-07-28. Review status: criteria provided, single submitter. Criteria: Invitae Variant Classification Sherloc (09022015). Collection method: clinical testing. Allele origin: germline.
Comment: This sequence change replaces glycine, which is neutral and non-polar, with aspartic acid, which is acidic and polar, at codon 250 of the DMXL2 protein (p.Gly250Asp). This variant is present in population databases (rs751938141, gnomAD no frequency). This variant has not been reported in the literature in individuals affected with DMXL2-related conditions. Algorithms developed to predict the effect of missense changes on protein structure and function are either unavailable or do not agree on the potential impact of this missense change (SIFT: "Tolerated"; PolyPhen-2: "Probably Damaging"; Align-GVGD: "Class C0"). In summary, the available evidence is currently insufficient to determine the role of this variant in disease. Therefore, it has been classified as a Variant of Uncertain Significance.

Revvity Omics, Revvity
Classification: Uncertain significance. Last evaluated: 2022-03-21. Review status: criteria provided, single submitter. Criteria: ACMG Guidelines, 2015. Collection method: clinical testing. Allele origin: germline.

NM_001378457.1(DMXL2):c.749G>A (p.Gly250Asp)

Gene: DMXL2 (Dmx like 2; minus strand). Cytogenetic location: 15q21.2.
Variant type: single nucleotide variant.
Coding change: c.749G>A on transcript NM_001378457.1 (MANE Select); coding-DNA position 749, G replaced by A.
Protein change: p.Gly250Asp; replaces glycine 250 with aspartic acid.
Molecular consequence: missense variant. On other transcripts: non-coding transcript variant (2).
Genome position (GRCh38, 1-based): chr15:51,545,764, C>T on the plus strand (G>A on the coding strand, the complement: DMXL2 is on the minus strand). VCF-style: chr15-51545764-C-T. GRCh37 (hg19) VCF-style: chr15-51837961-C-T.
Other names: c.749G>A (NM_001174116.1); c.749G>A, p.Gly250Asp (NM_001174116.3, NM_001174117.3, NM_001378458.1 and 7 more transcripts); short protein forms G250D.
Identifiers: ClinVar variation 1992152 (VCV001992152.5), dbSNP rs751938141, ClinGen allele CA7562741.